The following is an entry in ClinVar:

ClinVar aggregate classification (germline): Benign. Review status: criteria provided, multiple submitters, no conflicts (2 of 4 stars). 2 submissions from 2 submitters: Benign (2). Last evaluated 2018-06-14.

Allele frequency attached by ClinVar (database versions not stated): gnomAD exomes 0.00666; gnomAD 0.07153 and 0.07632; TOPMed 0.07957; 1000 Genomes Project 0.08027; 1000 Genomes Project 30x 0.08682.
gnomAD v4.1: 19,491 of 1,382,316 alleles (1.4%); highest among the groups gnomAD compares: African/African-American, 25%; 2,204 homozygotes.

Submissions (2):

GeneDx
Classification: Benign. Last evaluated: 2018-06-14. Review status: criteria provided, single submitter. Criteria: GeneDx Variant Classification (06012015). Collection method: clinical testing. Allele origin: germline. Affected: yes.
Comment: This variant is considered likely benign or benign based on one or more of the following criteria: it is a conservative change, it occurs at a poorly conserved position in the protein, it is predicted to be benign by multiple in silico algorithms, and/or has population frequency not consistent with disease.

Breakthrough Genomics
Classification: Benign. Review status: criteria provided, single submitter. Criteria: ACMG Guidelines, 2015. Collection method: not provided. Allele origin: germline. Inheritance: Unknown mechanism. Affected: yes.

NM_014476.6(PDLIM3):c.331-179A>C

Genes: PDLIM3 (PDZ and LIM domain 3; minus strand), LOC126807246 (BRD4-independent group 4 enhancer GRCh37_chr4:186434842-186436041; plus strand). Cytogenetic location: 4q35.1.
Variant type: single nucleotide variant.
Coding change: c.331-179A>C on transcript NM_014476.6 (MANE Select); 179 bases into the intron before coding-DNA position 331, A replaced by C.
Molecular consequence: intron variant.
Genome position (GRCh38, 1-based): chr4:185,514,516, T>G on the plus strand (A>C on the coding strand, the complement: PDLIM3 is on the minus strand). VCF-style: chr4-185514516-T-G. GRCh37 (hg19) VCF-style: chr4-186435670-T-G.
Other names: c.94-179A>C (NM_001257963.2); c.331-179A>C (NM_001257962.2); c.518+187A>C (NM_001114107.5).
Identifiers: ClinVar variation 672916 (VCV000672916.2), dbSNP rs73016235, ClinGen allele CA11859895.
Genomic context (GRCh38, chr4:185,514,516, plus strand): 5'-AGAAAGGCGATGACGGGACCAGGACGATGTCTTCTTTCCAACCATCTATCCGCTAAACGG[T>G]CAGGCACTGGCGGATTGGACCCCACAACAATTAGAACATGTTTTAGATGCTTGTCTTTAA-3'